The following is an entry in ClinVar:

NM_022834.5(VWA1):c.879del (p.Arg293fs)

Gene: VWA1 (von Willebrand factor A domain containing 1; plus strand). Cytogenetic location: 1p36.33.
Variant type: Deletion.
Coding change: c.879del on transcript NM_022834.5 (MANE Select); coding-DNA position 879, one base deleted (G; older notation c.879delG).
Protein change: p.Arg293fs; shifts the reading frame from arginine 293.
Molecular consequence: frameshift variant. On other transcripts: 3 prime UTR variant (1).
Genome position (GRCh38, 1-based): chr1:1,439,328, G deleted; the last of 2 consecutive G bases (chr1:1,439,327-1,439,328); deleting either gives the same sequence. VCF-style (leftmost placement, unchanged base first): chr1-1439326-AG-A. GRCh37 (hg19) VCF-style: chr1-1374706-AG-A.
Other names: c.*289del (NM_199121.3); short protein forms R293fs.
Identifiers: ClinVar variation 830328 (VCV000830328.8), dbSNP rs746212067, ClinGen allele CA523277.

ClinVar aggregate classification (germline): Pathogenic/Likely pathogenic. Review status: criteria provided, multiple submitters, no conflicts (2 of 4 stars). 5 submissions from 5 submitters: Pathogenic (1); Likely pathogenic (2). 2 of the submissions do not count toward it. Last evaluated 2026-01-23.

Conditions:
Neuromuscular disease. Also called: Neuromyopathy; Neuromuscular disorder. Identifiers: Orphanet 68381, MedGen C0027868, MeSH D009468, MONDO:0019056.
Neuronopathy, distal hereditary motor, autosomal recessive 7. Also called: NEUROPATHY, HEREDITARY MOTOR, WITH MYOPATHIC FEATURES; NEUROPATHY, DISTAL HEREDITARY MOTOR, AUTOSOMAL RECESSIVE 7. Identifiers: MedGen C5543119, MONDO:0030977, OMIM 619216.

Submissions (5):

Variantyx, Inc.
Classification: Pathogenic for Neuronopathy, distal hereditary motor, autosomal recessive 7. Last evaluated: 2026-01-23. Review status: criteria provided, single submitter. Criteria: Variantyx Assertion Criteria 2022. Collection method: clinical testing. Allele origin: germline. Inheritance: Autosomal recessive inheritance.
Comment: This is a frameshift variant in the VWA1 gene (OMIM: 611901). Pathogenic variants in this gene have been associated with autosomal recessive distal hereditary motor neuronopathy 7 . The alteration introduces a premature ttop codon in exon 3 out of 3 and is expected to disrupt the C-terminal region of protein. This variant is predicted to result in a loss of normal protein function, which is a known mechanism of disease for this disorder (PMID: 33015062) (PVS1). This variant has been identified in the homozygous or compound heterozygous state in at least 6 individual(s) reported in the published literature (PMID: 33459760, 33693694, 39502942, 33559681) (PM3) and it has been observed to segregate with disease in at least 2¬†individuals from 2 families (PMID: 39502942, 33459760) (PP1). This variant has a 0.0032% maximum allele frequency in non-founder control populations (PM2). Based on the current evidence, this variant is classified as pathogenic for autosomal recessive distal hereditary motor neuronopathy 7.

Institute of Human Genetics Munich, TUM University Hospital
Classification: Likely pathogenic for Neuronopathy, distal hereditary motor, autosomal recessive 7. Last evaluated: 2025-08-26. Review status: criteria provided, single submitter. Criteria: Classification criteria August 2017. Collection method: clinical testing. Allele origin: germline. Inheritance: Autosomal recessive inheritance. Affected: yes. Observed: 1 variant allele.

Department of Pathology and Laboratory Medicine, Sinai Health System
Classification: Likely pathogenic for neuronopathy, distal hereditary motor, autosomal recessive 7. Last evaluated: 2023-03-10. Review status: criteria provided, single submitter. Criteria: ACMG Guidelines, 2015. Collection method: research. Allele origin: germline.

OMIM
Classification: Pathogenic for NEURONOPATHY, DISTAL HEREDITARY MOTOR, AUTOSOMAL RECESSIVE 7. Last evaluated: 2023-10-17. Review status: no assertion criteria provided. Collection method: literature only. Allele origin: germline. Not counted in ClinVar's aggregate classification.

Section for Clinical Neurogenetics, University of Tübingen
Classification: Likely pathogenic for Neuromyopathy. Last evaluated: 2020-01-01. Review status: no assertion criteria provided. Collection method: research. Allele origin: germline. Affected: yes. Not counted in ClinVar's aggregate classification.

Literature cited by the submitters: PubMed 33459760 (cited by 3 submitters); PubMed 33693694 (cited by Variantyx, Inc.); PubMed 39502942 (cited by Variantyx, Inc.); PubMed 33559681 (cited by Variantyx, Inc.); PubMed 33015062 (cited by Variantyx, Inc.).